The following is an entry in ClinVar:

NM_000206.3(IL2RG):c.126del (p.Thr43fs)

Genes: IL2RG (interleukin 2 receptor subunit gamma; minus strand), LOC126863274 (MED14-independent group 3 enhancer GRCh37_chrX:70330888-70332087; plus strand). Cytogenetic location: Xq13.1.
Variant type: Deletion.
Coding change: c.126del on transcript NM_000206.3 (MANE Select); coding-DNA position 126, one base deleted (G; older notation c.126delG).
Protein change: p.Thr43fs; shifts the reading frame from threonine 43.
Molecular consequence: frameshift variant.
Genome position (GRCh38, 1-based): chrX:71,111,040, C deleted on the plus strand (G on the coding strand, the reverse complement: IL2RG is on the minus strand). VCF-style (leftmost placement, unchanged base first): chrX-71111039-TC-T. GRCh37 (hg19) VCF-style: chrX-70330889-TC-T.
Other names: c.126delG, p.Thr43Profs (NM_000206.2); c.126del (NM_000206.2); short protein forms T43fs.
Identifiers: ClinVar variation 2737253 (VCV002737253.4), dbSNP rs2519648083, ClinGen allele CA2695235089.

ClinVar aggregate classification (germline): Pathogenic. Review status: criteria provided, multiple submitters, no conflicts (2 of 4 stars). 2 submissions from 2 submitters: Pathogenic (2). Last evaluated 2024-10-09.

Conditions:
X-linked severe combined immunodeficiency (SCIDX1). Also called: X-Linked Combined Immunodeficiency Diseases; IMMUNODEFICIENCY 4; SCID, X-LINKED; SEVERE COMBINED IMMUNODEFICIENCY, X-LINKED, T CELL-NEGATIVE, B CELL-POSITIVE, NK CELL-NEGATIVE; T-B+ severe combined immunodeficiency due to gamma chain deficiency. Identifiers: Orphanet 276, MedGen C6022468, MONDO:0010315, OMIM 300400. Disease mechanism: loss of function.

Submissions (2):

GeneDx
Classification: Pathogenic. Last evaluated: 2024-10-09. Review status: criteria provided, single submitter. Criteria: GeneDx Variant Classification Process June 2021. Collection method: clinical testing. Allele origin: germline. Affected: yes.
Comment: Published functional studies demonstrate a damaging effect with this variant resulting in significant decrease in mRNA expression (PMID: 9058718); Frameshift variant predicted to result in protein truncation or nonsense mediated decay in a gene for which loss of function is a known mechanism of disease; Not observed at significant frequency in large population cohorts (gnomAD); This variant is associated with the following publications: (PMID: 9058718)

Labcorp Genetics (formerly Invitae), Labcorp
Classification: Pathogenic for X-linked severe combined immunodeficiency. Last evaluated: 2023-09-29. Review status: criteria provided, single submitter. Criteria: Invitae Variant Classification Sherloc (09022015). Collection method: clinical testing. Allele origin: germline.
Comment: This sequence change creates a premature translational stop signal (p.Thr43Profs*28) in the IL2RG gene. It is expected to result in an absent or disrupted protein product. Loss-of-function variants in IL2RG are known to be pathogenic (PMID: 9058718, 10794430). This variant is not present in population databases (gnomAD no frequency). This premature translational stop signal has been observed in individual(s) with severe combined immunodeficiency (PMID: 9058718). This variant is also known as 140delG. Algorithms developed to predict the effect of sequence changes on RNA splicing suggest that this variant may disrupt the consensus splice site. For these reasons, this variant has been classified as Pathogenic.

Literature cited by the submitters: PubMed 9058718 (cited by Labcorp Genetics (formerly Invitae), Labcorp); PubMed 10794430 (cited by Labcorp Genetics (formerly Invitae), Labcorp).